The following is an entry in ClinVar:

ClinVar aggregate classification (germline): Uncertain significance (1 of 4 stars; one submission).

Submission:

GeneDx
Classification: Uncertain significance. Last evaluated: 2022-03-25. Review status: criteria provided, single submitter. Criteria: GeneDx Variant Classification Process June 2021. Collection method: clinical testing. Allele origin: germline. Affected: yes.
Comment: Not observed at significant frequency in large population cohorts (gnomAD); In silico analysis supports that this missense variant has a deleterious effect on protein structure/function; Has not been previously published as pathogenic or benign to our knowledge

NM_001377142.1(PLCB4):c.2189T>G (p.Ile730Ser)

Gene: PLCB4 (phospholipase C beta 4; plus strand). Cytogenetic location: 20p12.2.
Variant type: single nucleotide variant.
Coding change: c.2189T>G on transcript NM_001377142.1 (MANE Select); coding-DNA position 2189, T replaced by G.
Protein change: p.Ile730Ser; replaces isoleucine 730 with serine.
Molecular consequence: missense variant.
Genome position (GRCh38, 1-based): chr20:9,421,331, T>G. VCF-style: chr20-9421331-T-G. GRCh37 (hg19) VCF-style: chr20-9401978-T-G.
Other names: c.2153T>G, p.Ile718Ser (NM_000933.4, NM_001377134.2, NM_001377135.1 and 2 more transcripts); c.2189T>G, p.Ile730Ser (NM_001172646.2, NM_001377143.1); short protein forms I718S, I730S.
Identifiers: ClinVar variation 1707104 (VCV001707104.2), dbSNP rs2040617016, ClinGen allele CA408213110.
Genomic context (GRCh38, chr20:9,421,331, plus strand): 5'-CTTTGCTCTCGTTCGTGCTGCTACAGGTTATATCAGGTCAATTCTTATCAGATAAGAAAA[T>G]TGGCACCTACGTAGAGGTGGATATGTATGGGTTGCCCACTGACACCATACGTAAGGAATT-3'
Protein context (NP_001364071.1, residues 720-740): ISGQFLSDKK[Ile730Ser]GTYVEVDMYG